The following is an entry in ClinVar:

NM_015702.3(MMADHC):c.391dup (p.Glu131fs)

Gene: MMADHC (metabolism of cobalamin associated D; minus strand). Cytogenetic location: 2q23.2.
Variant type: Duplication.
Coding change: c.391dup on transcript NM_015702.3 (MANE Select); coding-DNA position 391, one base duplicated (G; older notation c.391dupG).
Protein change: p.Glu131fs; shifts the reading frame from glutamic acid 131.
Molecular consequence: frameshift variant.
Genome position (GRCh38, 1-based): chr2:149,576,524, C duplicated on the plus strand (G on the coding strand, the reverse complement: MMADHC is on the minus strand). VCF-style (leftmost placement, unchanged base first): chr2-149576523-T-TC. GRCh37 (hg19) VCF-style: chr2-150433037-T-TC.
Other names: short protein forms E131fs.
Identifiers: ClinVar variation 2850205 (VCV002850205.3), dbSNP rs2467641602, ClinGen allele CA2739271282.

ClinVar aggregate classification (germline): Pathogenic (1 of 4 stars; one submission).

Conditions:
Methylmalonic aciduria and homocystinuria type cblD (MAHCD). Also called: Methylmalonic aciduria with homocystinuria cblD type; METHYLMALONIC ACIDEMIA, cblH TYPE. Identifiers: Orphanet 622, Orphanet 79283, MedGen C1848552, MONDO:0010185, OMIM 277410.

Submission:

Labcorp Genetics (formerly Invitae), Labcorp
Classification: Pathogenic for Methylmalonic aciduria and homocystinuria type cblD. Last evaluated: 2023-03-27. Review status: criteria provided, single submitter. Criteria: Invitae Variant Classification Sherloc (09022015). Collection method: clinical testing. Allele origin: germline.
Comment: This sequence change creates a premature translational stop signal (p.Glu131Glyfs*5) in the MMADHC gene. It is expected to result in an absent or disrupted protein product. Loss-of-function variants in MMADHC are known to be pathogenic (PMID: 18385497). This variant is not present in population databases (gnomAD no frequency). This variant has not been reported in the literature in individuals affected with MMADHC-related conditions. For these reasons, this variant has been classified as Pathogenic.

Literature cited by the submitters: PubMed 18385497.